The following is an entry in ClinVar:

NM_001272046.2(VWA2):c.1246C>T (p.Arg416Cys)

Genes: AFAP1L2 (actin filament associated protein 1 like 2; minus strand), VWA2 (von Willebrand factor A domain containing 2; plus strand). Cytogenetic location: 10q25.3.
Variant type: single nucleotide variant.
Coding change: c.1246C>T on transcript NM_001272046.2 (MANE Select); coding-DNA position 1246, C replaced by T.
Protein change: p.Arg416Cys; replaces arginine 416 with cysteine.
Molecular consequence: missense variant.
Genome position (GRCh38, 1-based): chr10:114,286,187, C>T. VCF-style: chr10-114286187-C-T. GRCh37 (hg19) VCF-style: chr10-116045946-C-T.
Other names: c.1246C>T, p.Arg416Cys (NM_001320804.1); short protein forms R416C.
Identifiers: ClinVar variation 3058012 (VCV003058012.2), dbSNP rs139209580, ClinGen allele CA5700627.

ClinVar aggregate classification (germline): Likely benign (0 of 4 stars; one submission).

Conditions:
VWA2-related disorder. Also called: VWA2-related condition.

Allele frequency attached by ClinVar (database versions not stated): ESP Exome Variant Server 0.00008; gnomAD exomes 0.00008; ExAC 0.00017; gnomAD 0.00040; TOPMed 0.00057; 1000 Genomes Project 30x 0.00094; 1000 Genomes Project 0.00100.
gnomAD v4.1: 201 of 1,614,040 alleles (0.012%); highest among the groups gnomAD compares: East Asian, 0.16%; no homozygotes.

Submission:

PreventionGenetics, part of Exact Sciences
Classification: Likely benign for VWA2-related condition. Last evaluated: 2022-04-21. Review status: no assertion criteria provided. Collection method: clinical testing. Allele origin: germline.
Comment: This variant is classified as likely benign based on ACMG/AMP sequence variant interpretation guidelines (Richards et al. 2015 PMID: 25741868, with internal and published modifications).